The following is an entry in ClinVar:

NM_000574.5(CD55):c.203G>A (p.Ser68Asn)

Gene: CD55 (CD55 molecule (Cromer blood group); plus strand). Cytogenetic location: 1q32.2.
Variant type: single nucleotide variant.
Coding change: c.203G>A on transcript NM_000574.5 (MANE Select); coding-DNA position 203, G replaced by A.
Protein change: p.Ser68Asn; replaces serine 68 with asparagine.
Molecular consequence: missense variant. On other transcripts: non-coding transcript variant (1).
Genome position (GRCh38, 1-based): chr1:207,322,484, G>A. VCF-style: chr1-207322484-G-A. GRCh37 (hg19) VCF-style: chr1-207495829-G-A.
Other names: c.203G>A, p.Ser68Asn (NM_001114752.3, NM_001300902.2, NM_001300903.2 and 1 more transcripts); short protein forms S68N.
Identifiers: ClinVar variation 224614 (VCV000224614.2), dbSNP rs869312818, ClinGen allele CA353563.
Genomic context (GRCh38, chr1:207,322,484, plus strand): 5'-CTTTGGAAGGCCGTACAAGTTTTCCCGAGGATACTGTAATAACGTACAAATGTGAAGAAA[G>A]CTTTGTGAAAATTCCTGGCGAGAAGGACTCAGTGATCTGCCTTAAGGGCAGTCAATGGTC-3'
Protein context (NP_000565.1, residues 58-78): DTVITYKCEE[Ser68Asn]FVKIPGEKDS

ClinVar aggregate classification (germline): Affects (1 of 4 stars; one submission).

Conditions:
Cromer blood group system (CROM). Also called: CROMER BLOOD GROUP SYSTEM, Inab PHENOTYPE. Identifiers: MedGen C1292305, OMIM 613793.

Allele frequency attached by ClinVar (database versions not stated): gnomAD exomes below 0.00001.
gnomAD v4.1: 1 of 1,614,204 alleles (0.000062%); highest among the groups gnomAD compares: East Asian, 0.0022%; no homozygotes.

Submission:

Australian Red Cross Blood Service
Classification: Affects for Cromer blood group system. Last evaluated: 2015-10-19. Review status: criteria provided, single submitter. Criteria: Submitter's publication. Collection method: clinical testing. Allele origin: unknown. Inheritance: Autosomal recessive inheritance. Affected: yes. Observed: 1 variant allele, 1 homozygote.
Comment: Soluble CD55 (DAF) completely inhibited binding of the patient’s antibody to red cells, indicating that the antibody was associated with the Cromer blood group system. Standard serology tests excluded antibodies to other known blood groups. A homozygous nucleotide change c.203G>A was the only variation from the reference sequence for CROM (also called CD55). This change predicts a p.S68N (serine to asparagine) change in the DAF protein. The c.203G>A mutation is not listed among the polymorphisms on international databases nor on the ISBT blood group database. Sanger sequencing confirmed the c.2013A homozygous nucleotide change. Other Cromer system antigens such as Tcb and Tcc (52Leu, 52Pro), WES (82Arg) and CROM:--6 (Ile80Asn; also loss of a high frequency antigen) are located within 16 residues of this substitution.

Literature cited by the submitters: Hyland A, Schoeman E, McGrath K, Wilson B, Lin HC, Wu CW, Flower RL, Powley T, Liew YW. Investigation of a patient with a pan-reactive red cell antibody inhibited by soluble CD55: MPS reveals a homozygous novel Cromer blood group allele. Vox Sanguinis 2015; 109(S2): 75..